The following is an entry in ClinVar:

ClinVar aggregate classification (germline): Likely benign. Review status: criteria provided, multiple submitters, no conflicts (2 of 4 stars). 2 submissions from 2 submitters: Likely benign (2). Last evaluated 2026-01-27.

Allele frequency attached by ClinVar (database versions not stated): gnomAD below 0.00001 and 0.00032; TOPMed 0.00001; gnomAD exomes 0.00117; ExAC 0.00123; 1000 Genomes Project 30x 0.00265; 1000 Genomes Project 0.00319.
gnomAD v4.1: 778 of 1,582,306 alleles (0.049%); highest among the groups gnomAD compares: South Asian, 0.84%; 12 homozygotes.

Submissions (2):

Labcorp Genetics (formerly Invitae), Labcorp
Classification: Likely benign. Last evaluated: 2026-01-27. Review status: criteria provided, single submitter. Criteria: Invitae Variant Classification Sherloc (09022015). Collection method: clinical testing. Allele origin: germline.

GeneDx
Classification: Likely benign. Last evaluated: 2016-12-01. Review status: criteria provided, single submitter. Criteria: GeneDx Variant Classification (06012015). Collection method: clinical testing. Allele origin: germline. Affected: yes.
Comment: This variant is considered likely benign or benign based on one or more of the following criteria: it is a conservative change, it occurs at a poorly conserved position in the protein, it is predicted to be benign by multiple in silico algorithms, and/or has population frequency not consistent with disease.

NM_006031.6(PCNT):c.9840-15G>C

Gene: PCNT (pericentrin; plus strand). Cytogenetic location: 21q22.3.
Variant type: single nucleotide variant.
Coding change: c.9840-15G>C on transcript NM_006031.6 (MANE Select); 15 bases into the intron before coding-DNA position 9840, G replaced by C.
Molecular consequence: intron variant.
Genome position (GRCh38, 1-based): chr21:46,444,679, G>C. VCF-style: chr21-46444679-G-C. GRCh37 (hg19) VCF-style: chr21-47864592-G-C.
Other names: c.9249-15G>C (NM_001315529.2).
Identifiers: ClinVar variation 380995 (VCV000380995.7), dbSNP rs564095021, ClinGen allele CA10081529.